The following is an entry in ClinVar:

NM_002691.4(POLD1):c.1495-9C>T

Gene: POLD1 (DNA polymerase delta 1, catalytic subunit; plus strand). Cytogenetic location: 19q13.33.
Variant type: single nucleotide variant.
Coding change: c.1495-9C>T on transcript NM_002691.4 (MANE Select); 9 bases into the intron before coding-DNA position 1495, C replaced by T.
Molecular consequence: intron variant.
Genome position (GRCh38, 1-based): chr19:50,406,974, C>T. VCF-style: chr19-50406974-C-T. GRCh37 (hg19) VCF-style: chr19-50910231-C-T.
Other names: c.1495-9C>T (NM_001256849.1, NM_001308632.1).
Identifiers: ClinVar variation 1139356 (VCV001139356.10), dbSNP rs1401894575, ClinGen allele CA2340885485.

ClinVar aggregate classification (germline): Likely benign. Review status: criteria provided, multiple submitters, no conflicts (2 of 4 stars). 2 submissions from 2 submitters: Likely benign (2). Last evaluated 2025-10-27.

Conditions:
POLD1-related polyposis and colorectal cancer syndrome (CRCS10). Also called: Colorectal cancer, susceptibility to, 10; Colorectal cancer 10; COLORECTAL CANCER, SUSCEPTIBILITY TO, ON CHROMOSOME 19q. Identifiers: Orphanet 220460, MedGen C2675481, MONDO:0012953, OMIM 612591.

Submissions (2):

Labcorp Genetics (formerly Invitae), Labcorp
Classification: Likely benign for POLD1-related polyposis and colorectal cancer syndrome. Last evaluated: 2025-10-27. Review status: criteria provided, single submitter. Criteria: Invitae Variant Classification Sherloc (09022015). Collection method: clinical testing. Allele origin: germline.

Myriad Genetics, Inc.
Classification: Likely benign for POLD1-related polyposis and colorectal cancer syndrome. Last evaluated: 2025-02-06. Review status: criteria provided, single submitter. Criteria: Myriad Autosomal Dominant, Autosomal Recessive and X-Linked Classification Criteria (2023). Collection method: clinical testing. Allele origin: unknown.
Comment: This variant is considered likely benign. This variant is intronic and is not expected to impact mRNA splicing.